The following is an entry in ClinVar:

ClinVar aggregate classification (germline): Uncertain significance (1 of 4 stars; one submission).

Conditions:
Baller-Gerold syndrome (BGS). Also called: CRANIOSYNOSTOSIS WITH RADIAL DEFECTS. Identifiers: Orphanet 1225, MedGen C0265308, MONDO:0009039, OMIM 218600.

Submission:

Labcorp Genetics (formerly Invitae), Labcorp
Classification: Uncertain significance for Baller-Gerold syndrome. Last evaluated: 2020-07-23. Review status: criteria provided, single submitter. Criteria: Invitae Variant Classification Sherloc (09022015). Collection method: clinical testing. Allele origin: germline.
Comment: This sequence change replaces leucine with proline at codon 59 of the RECQL4 protein (p.Leu59Pro). The leucine residue is weakly conserved and there is a moderate physicochemical difference between leucine and proline. This variant is not present in population databases (ExAC no frequency). This variant has not been reported in the literature in individuals with RECQL4-related conditions. Experimental studies and prediction algorithms are not available or were not evaluated, and the functional significance of this variant is currently unknown. In summary, the available evidence is currently insufficient to determine the role of this variant in disease. Therefore, it has been classified as a Variant of Uncertain Significance.

NM_004260.4(RECQL4):c.176T>C (p.Leu59Pro)

Genes: RECQL4 (RecQ like helicase 4; minus strand), LOC130001411 (ATAC-STARR-seq lymphoblastoid silent region 19699; plus strand). Cytogenetic location: 8q24.3.
Variant type: single nucleotide variant.
Coding change: c.176T>C on transcript NM_004260.4 (MANE Select); coding-DNA position 176, T replaced by C.
Protein change: p.Leu59Pro; replaces leucine 59 with proline.
Molecular consequence: missense variant.
Genome position (GRCh38, 1-based): chr8:144,517,451, A>G on the plus strand (T>C on the coding strand, the complement: RECQL4 is on the minus strand). VCF-style: chr8-144517451-A-G. GRCh37 (hg19) VCF-style: chr8-145742835-A-G.
Other names: short protein forms L59P.
Identifiers: ClinVar variation 1000646 (VCV001000646.2), dbSNP rs1815350597, ClinGen allele CA372692606.
Genomic context (GRCh38, chr8:144,517,451, plus strand): 5'-CTGGGGCGGCGGGGCCTGGGTACCTCTTCGGCCGCCGCGGGGAGCGACTCGGAGCTGCGG[A>G]GCCCGCCGCCGGCCTGGCCCGTGGTACGCTTCAGAGTGCGGTATTCCCGGTAGAGCGCTG-3'
Protein context (NP_004251.4, residues 49-69): KRTTGQAGGG[Leu59Pro]RSSESLPAAA